The following is an entry in ClinVar:

NM_015512.5(DNAH1):c.709C>G (p.Pro237Ala)

Gene: DNAH1 (dynein axonemal heavy chain 1; plus strand). Cytogenetic location: 3p21.1.
Variant type: single nucleotide variant.
Coding change: c.709C>G on transcript NM_015512.5 (MANE Select); coding-DNA position 709, C replaced by G.
Protein change: p.Pro237Ala; replaces proline 237 with alanine.
Molecular consequence: missense variant.
Genome position (GRCh38, 1-based): chr3:52,326,862, C>G. VCF-style: chr3-52326862-C-G. GRCh37 (hg19) VCF-style: chr3-52360878-C-G.
Other names: c.709C>G (NM_015512.4); short protein forms P237A.
Identifiers: ClinVar variation 2048029 (VCV002048029.5), dbSNP rs777151061, ClinGen allele CA2432729.

ClinVar aggregate classification (germline): Uncertain significance. Review status: criteria provided, multiple submitters, no conflicts (2 of 4 stars). 2 submissions from 2 submitters: Uncertain significance (2). Last evaluated 2025-10-14.

Conditions:
Spermatogenic failure 18. Identifiers: MedGen C4539783, MONDO:0054615, OMIM 617576.
Ciliary dyskinesia, primary, 37 (CILD37). Also called: CILIARY DYSKINESIA, PRIMARY, 37, WITH OR WITHOUT SITUS INVERSUS. Identifiers: MedGen C4539798, MONDO:0033204, OMIM 617577.

Allele frequency attached by ClinVar (database versions not stated): TOPMed 0.00002; ExAC 0.00003.
gnomAD v4.1: 10 of 1,613,138 alleles (0.00062%); highest among the groups gnomAD compares: East Asian, 0.022%; no homozygotes.

Submissions (2):

Labcorp Genetics (formerly Invitae), Labcorp
Classification: Uncertain significance for Ciliary dyskinesia, primary, 37; Spermatogenic failure 18. Last evaluated: 2025-10-14. Review status: criteria provided, single submitter. Criteria: Invitae Variant Classification Sherloc (09022015). Collection method: clinical testing. Allele origin: germline.
Comment: This sequence change replaces proline, which is neutral and non-polar, with alanine, which is neutral and non-polar, at codon 237 of the DNAH1 protein (p.Pro237Ala). This variant is present in population databases (rs777151061, gnomAD 0.04%). This variant has not been reported in the literature in individuals affected with DNAH1-related conditions. ClinVar contains an entry for this variant (Variation ID: 2048029). Invitae Evidence Modeling of protein sequence and biophysical properties (such as structural, functional, and spatial information, amino acid conservation, physicochemical variation, residue mobility, and thermodynamic stability) indicates that this missense variant is not expected to disrupt DNAH1 protein function with a negative predictive value of 80%. In summary, the available evidence is currently insufficient to determine the role of this variant in disease. Therefore, it has been classified as a Variant of Uncertain Significance.

Ambry Genetics
Classification: Uncertain significance. Last evaluated: 2024-02-13. Review status: criteria provided, single submitter. Criteria: Ambry Variant Classification Scheme 2023. Collection method: clinical testing. Allele origin: germline.